The following is an entry in ClinVar:

ClinVar aggregate classification (germline): Uncertain significance. Review status: criteria provided, multiple submitters, no conflicts (2 of 4 stars). 2 submissions from 2 submitters: Uncertain significance (2). Last evaluated 2023-01-13.

Allele frequency attached by ClinVar (database versions not stated): TOPMed below 0.00001; gnomAD 0.00001; ExAC 0.00002.
gnomAD v4.1: 6 of 1,539,280 alleles (0.00039%); highest among the groups gnomAD compares: South Asian, 0.0025%; no homozygotes.

Submissions (2):

Labcorp Genetics (formerly Invitae), Labcorp
Classification: Uncertain significance. Last evaluated: 2023-01-13. Review status: criteria provided, single submitter. Criteria: Invitae Variant Classification Sherloc (09022015). Collection method: clinical testing. Allele origin: germline.
Comment: In summary, the available evidence is currently insufficient to determine the role of this variant in disease. Therefore, it has been classified as a Variant of Uncertain Significance. Algorithms developed to predict the effect of missense changes on protein structure and function are either unavailable or do not agree on the potential impact of this missense change (SIFT: "Deleterious"; PolyPhen-2: "Possibly Damaging"; Align-GVGD: "Class C0"). ClinVar contains an entry for this variant (Variation ID: 1305513). This variant has not been reported in the literature in individuals affected with TRIP12-related conditions. The frequency data for this variant in the population databases is considered unreliable, as metrics indicate poor data quality at this position in the gnomAD database. This sequence change replaces arginine, which is basic and polar, with tryptophan, which is neutral and slightly polar, at codon 337 of the TRIP12 protein (p.Arg337Trp).

GeneDx
Classification: Uncertain significance. Last evaluated: 2019-04-29. Review status: criteria provided, single submitter. Criteria: GeneDx Variant Classification Process June 2021. Collection method: clinical testing. Allele origin: germline. Affected: yes.
Comment: In silico analysis, which includes protein predictors and evolutionary conservation, supports a deleterious effect; Has not been previously published as pathogenic or benign to our knowledge

NM_001348323.3(TRIP12):c.1135C>T (p.Arg379Trp)

Gene: TRIP12 (thyroid hormone receptor interactor 12; minus strand). Cytogenetic location: 2q36.3.
Variant type: single nucleotide variant.
Coding change: c.1135C>T on transcript NM_001348323.3 (MANE Select); coding-DNA position 1135, C replaced by T.
Protein change: p.Arg379Trp; replaces arginine 379 with tryptophan.
Molecular consequence: missense variant.
Genome position (GRCh38, 1-based): chr2:229,836,983, G>A on the plus strand (C>T on the coding strand, the complement: TRIP12 is on the minus strand). VCF-style: chr2-229836983-G-A. GRCh37 (hg19) VCF-style: chr2-230701699-G-A.
Other names: c.1135C>T, p.Arg379Trp (NM_001348324.2, NM_001348325.2, NM_001348326.2 and 13 more transcripts); c.1009C>T, p.Arg337Trp (NM_001348331.1, NM_001284215.2, NM_001348316.2 and 3 more transcripts); c.1048C>T, p.Arg350Trp (NM_001348332.1, NM_001348334.1); c.100C>T, p.Arg34Trp (NM_001284216.2); short protein forms R337W, R34W, R350W, R379W.
Identifiers: ClinVar variation 1305513 (VCV001305513.5), dbSNP rs766377703, ClinGen allele CA2153351.